The following is an entry in ClinVar:

NM_001253697.2(ERBIN):c.736G>A (p.Glu246Lys)

Gene: ERBIN (erbb2 interacting protein; plus strand). Cytogenetic location: 5q12.3.
Variant type: single nucleotide variant.
Coding change: c.736G>A on transcript NM_001253697.2 (MANE Select); coding-DNA position 736, G replaced by A.
Protein change: p.Glu246Lys; replaces glutamic acid 246 with lysine.
Molecular consequence: missense variant.
Genome position (GRCh38, 1-based): chr5:66,024,369, G>A. VCF-style: chr5-66024369-G-A. GRCh37 (hg19) VCF-style: chr5-65320197-G-A.
Other names: c.736G>A, p.Glu246Lys (NM_001006600.3, NM_001253698.2, NM_001253699.2 and 2 more transcripts); short protein forms E246K.
Identifiers: ClinVar variation 2872917 (VCV002872917.3), dbSNP rs1393633731, ClinGen allele CA359974803.

ClinVar aggregate classification (germline): Uncertain significance (1 of 4 stars; one submission).

Allele frequency attached by ClinVar (database versions not stated): gnomAD exomes below 0.00001.
gnomAD v4.1: 1 of 1,599,652 alleles (0.000063%); highest among the groups gnomAD compares: Admixed American, 0.0017%; no homozygotes.

Submission:

Labcorp Genetics (formerly Invitae), Labcorp
Classification: Uncertain significance. Last evaluated: 2024-02-12. Review status: criteria provided, single submitter. Criteria: Invitae Variant Classification Sherloc (09022015). Collection method: clinical testing. Allele origin: germline.
Comment: This sequence change replaces glutamic acid, which is acidic and polar, with lysine, which is basic and polar, at codon 246 of the ERBIN protein (p.Glu246Lys). The frequency data for this variant in the population databases is considered unreliable, as metrics indicate poor data quality at this position in the gnomAD database. This variant has not been reported in the literature in individuals affected with ERBIN-related conditions. An algorithm developed to predict the effect of missense changes on protein structure and function (PolyPhen-2) suggests that this variant is likely to be disruptive. In summary, the available evidence is currently insufficient to determine the role of this variant in disease. Therefore, it has been classified as a Variant of Uncertain Significance.